The following is an entry in ClinVar:

ClinVar aggregate classification (germline): Uncertain significance. Review status: criteria provided, multiple submitters, no conflicts (2 of 4 stars). 2 submissions from 2 submitters: Uncertain significance (2). Last evaluated 2024-11-11.

Submissions (2):

Ambry Genetics
Classification: Uncertain significance. Last evaluated: 2024-11-11. Review status: criteria provided, single submitter. Criteria: Ambry Variant Classification Scheme 2023. Collection method: clinical testing. Allele origin: germline.
Comment: The p.Q509H variant (also known as c.1527G>T), located in coding exon 11 of the RINT1 gene, results from a G to T substitution at nucleotide position 1527. The glutamine at codon 509 is replaced by histidine, an amino acid with highly similar properties. This amino acid position is conserved. In addition, the in silico prediction for this alteration is inconclusive. Based on the available evidence, the clinical significance of this variant remains unclear.

Labcorp Genetics (formerly Invitae), Labcorp
Classification: Uncertain significance. Last evaluated: 2023-06-07. Review status: criteria provided, single submitter. Criteria: Invitae Variant Classification Sherloc (09022015). Collection method: clinical testing. Allele origin: germline.
Comment: This sequence change replaces glutamine, which is neutral and polar, with histidine, which is basic and polar, at codon 509 of the RINT1 protein (p.Gln509His). This variant is not present in population databases (gnomAD no frequency). This variant has not been reported in the literature in individuals affected with RINT1-related conditions. An algorithm developed to predict the effect of missense changes on protein structure and function (PolyPhen-2) suggests that this variant is likely to be disruptive. In summary, the available evidence is currently insufficient to determine the role of this variant in disease. Therefore, it has been classified as a Variant of Uncertain Significance.

NM_021930.6(RINT1):c.1527G>T (p.Gln509His)

Gene: RINT1 (RAD50 interactor 1; plus strand). Cytogenetic location: 7q22.3.
Variant type: single nucleotide variant.
Coding change: c.1527G>T on transcript NM_021930.6 (MANE Select); coding-DNA position 1527, G replaced by T.
Protein change: p.Gln509His; replaces glutamine 509 with histidine.
Molecular consequence: missense variant.
Genome position (GRCh38, 1-based): chr7:105,555,083, G>T. VCF-style: chr7-105555083-G-T. GRCh37 (hg19) VCF-style: chr7-105195530-G-T.
Other names: c.1527G>T (NM_021930.4); c.1293G>T, p.Gln431His (NM_001346599.2); c.504G>T, p.Gln168His (NM_001346600.2, NM_001346603.2); c.603G>T, p.Gln201His (NM_001346601.2); short protein forms Q168H, Q201H, Q431H, Q509H.
Identifiers: ClinVar variation 2919745 (VCV002919745.4), dbSNP rs2133426485, ClinGen allele CA368811458.
Genomic context (GRCh38, chr7:105,555,083, plus strand): 5'-CACAGACAGGTATAAAAATCTTCCCACAGCTTCCCGAAAGCTTCAGTTCCTGGAGTTACA[G>T]AAGGACTTAGTAGATGATTTTAGGATACGATTAACACAAGTGATGAAAGAAGAGACTAGA-3'
Protein context (NP_068749.3, residues 499-519): ASRKLQFLEL[Gln509His]KDLVDDFRIR